The following is an entry in ClinVar:

NM_001134363.3(RBM20):c.153G>T (p.Pro51=)

Gene: RBM20 (RNA binding motif protein 20; plus strand). Cytogenetic location: 10q25.2.
Variant type: single nucleotide variant.
Coding change: c.153G>T on transcript NM_001134363.3 (MANE Select); coding-DNA position 153, G replaced by T.
Protein change: p.Pro51=; no amino-acid change (proline 51 retained).
Molecular consequence: synonymous variant.
Genome position (GRCh38, 1-based): chr10:110,644,607, G>T. VCF-style: chr10-110644607-G-T. GRCh37 (hg19) VCF-style: chr10-112404365-G-T.
Other names: c.153G>T (LRG_382t1).
Identifiers: ClinVar variation 378471 (VCV000378471.22), dbSNP rs760605118, ClinGen allele CA5688492.

ClinVar aggregate classification (germline): Benign/Likely benign. Review status: criteria provided, multiple submitters, no conflicts (2 of 4 stars). 5 submissions from 5 submitters: Benign (1); Likely benign (4). Last evaluated 2026-03-01.

Conditions:
Cardiovascular phenotype. Identifiers: MedGen CN230736.
Dilated cardiomyopathy 1DD (CMD1DD). Identifiers: Orphanet 154, MedGen C2750995, MONDO:0013168, OMIM 613172.

Allele frequency attached by ClinVar (database versions not stated): gnomAD exomes 0.00079; gnomAD 0.00081 and 0.00083; TOPMed 0.00003; ExAC 0.00011.
gnomAD v4.1: 585 of 1,091,326 alleles (0.054%); highest among the groups gnomAD compares: Non-Finnish European, 0.015%; 3 homozygotes.

Submissions (5):

CeGaT Center for Human Genetics Tuebingen
Classification: Likely benign. Last evaluated: 2026-03-01. Review status: criteria provided, single submitter. Criteria: CeGaT Center For Human Genetics Tuebingen Variant Classification Criteria Version 2. Collection method: clinical testing. Allele origin: germline. Affected: yes. Observed: 1 variant allele.
Comment: RBM20: BP4, BP7

Labcorp Genetics (formerly Invitae), Labcorp
Classification: Likely benign for Dilated cardiomyopathy 1DD. Last evaluated: 2025-10-11. Review status: criteria provided, single submitter. Criteria: Invitae Variant Classification Sherloc (09022015). Collection method: clinical testing. Allele origin: germline.

Blueprint Genetics
Classification: Likely benign. Last evaluated: 2024-10-23. Review status: criteria provided, single submitter. Criteria: ACMG Guidelines, 2015. Collection method: clinical testing. Allele origin: germline.

Ambry Genetics
Classification: Benign for Cardiovascular phenotype. Last evaluated: 2020-12-15. Review status: criteria provided, single submitter. Criteria: Ambry Variant Classification Scheme 2023. Collection method: clinical testing. Allele origin: germline.

GeneDx
Classification: Likely benign. Last evaluated: 2019-10-15. Review status: criteria provided, single submitter. Criteria: GeneDx Variant Classification Process June 2021. Collection method: clinical testing. Allele origin: germline. Affected: yes.